The following is an entry in ClinVar:

NM_001111125.3(IQSEC2):c.3554C>G (p.Pro1185Arg)

Gene: IQSEC2 (IQ motif and Sec7 domain ArfGEF 2; minus strand). Cytogenetic location: Xp11.22.
Variant type: single nucleotide variant.
Coding change: c.3554C>G on transcript NM_001111125.3 (MANE Select); coding-DNA position 3554, C replaced by G.
Protein change: p.Pro1185Arg; replaces proline 1185 with arginine.
Molecular consequence: missense variant. On other transcripts: 3 prime UTR variant (1).
Genome position (GRCh38, 1-based): chrX:53,235,132, G>C on the plus strand (C>G on the coding strand, the complement: IQSEC2 is on the minus strand). VCF-style: chrX-53235132-G-C. GRCh37 (hg19) VCF-style: chrX-53264314-G-C.
Other names: c.*39C>G (NM_015075.2); short protein forms P1185R.
Identifiers: ClinVar variation 1475234 (VCV001475234.6), dbSNP rs1556859338, ClinGen allele CA413142480.

ClinVar aggregate classification (germline): Uncertain significance (1 of 4 stars; one submission).

Conditions:
Intellectual developmental disorder, X-linked 1. Also called: Intellectual disability, X-linked 1; Atkin Flaitz Patil Smith syndrome; MENTAL RETARDATION, X-LINKED 18; MENTAL RETARDATION, X-LINKED 78. Identifiers: Orphanet 777, MedGen C2931498, MONDO:0010656, OMIM 309530.

Allele frequency attached by ClinVar (database versions not stated): gnomAD exomes below 0.00001.
gnomAD v4.1: 1 of 1,131,140 alleles (0.000088%); highest among the groups gnomAD compares: Non-Finnish European, 0.00012%; no homozygotes.

Submission:

Labcorp Genetics (formerly Invitae), Labcorp
Classification: Uncertain significance for Intellectual developmental disorder, X-linked 1. Last evaluated: 2022-08-23. Review status: criteria provided, single submitter. Criteria: Invitae Variant Classification Sherloc (09022015). Collection method: clinical testing. Allele origin: germline.
Comment: This sequence change replaces proline, which is neutral and non-polar, with arginine, which is basic and polar, at codon 1185 of the IQSEC2 protein (p.Pro1185Arg). This variant is not present in population databases (gnomAD no frequency). This variant has not been reported in the literature in individuals affected with IQSEC2-related conditions. ClinVar contains an entry for this variant (Variation ID: 1475234). Advanced modeling of protein sequence and biophysical properties (such as structural, functional, and spatial information, amino acid conservation, physicochemical variation, residue mobility, and thermodynamic stability) performed at Invitae indicates that this missense variant is not expected to disrupt IQSEC2 protein function. In summary, the available evidence is currently insufficient to determine the role of this variant in disease. Therefore, it has been classified as a Variant of Uncertain Significance.